The following is an entry in ClinVar:

ClinVar aggregate classification (germline): Benign. Review status: criteria provided, multiple submitters, no conflicts (2 of 4 stars). 8 submissions from 8 submitters: Benign (6). 2 of the submissions do not count toward it. Last evaluated 2026-02-04.

Conditions:
Asphyxiating thoracic dystrophy 3. Also called: SHORT-RIB THORACIC DYSPLASIA 3 WITH OR WITHOUT POLYDACTYLY; POLYDACTYLY WITH NEONATAL CHONDRODYSTROPHY, TYPE I; SHORT-RIB THORACIC DYSPLASIA 3/6 WITH POLYDACTYLY, DIGENIC; Short rib polydactyly syndrome 2B; Saldino-Noonan Syndrome. Identifiers: Orphanet 474, Orphanet 93269, Orphanet 93270, Orphanet 93271, MedGen C0036069, MONDO:0013127, OMIM 613091.
Jeune thoracic dystrophy. Also called: Jeune syndrome; Infantile thoracic dystrophy; Thoracic pelvic phalangeal dystrophy; Jeune's syndrome; Chondroectodermal dysplasia-like syndrome; Short-rib thoracic dysplasia. Identifiers: Orphanet 474, MedGen C0265275, MONDO:0018770.

Allele frequency attached by ClinVar (database versions not stated): gnomAD exomes 0.17181; 1000 Genomes Project 30x 0.17317; TOPMed 0.17776; ESP Exome Variant Server 0.15367; gnomAD 0.16562 and 0.16650; ExAC 0.16615; 1000 Genomes Project 0.16953.
gnomAD v4.1: 233,132 of 1,600,076 alleles (15%); highest among the groups gnomAD compares: Admixed American, 30%; 18,825 homozygotes.

Submissions (8):

Labcorp Genetics (formerly Invitae), Labcorp
Classification: Benign for Jeune thoracic dystrophy. Last evaluated: 2026-02-04. Review status: criteria provided, single submitter. Criteria: Invitae Variant Classification Sherloc (09022015). Collection method: clinical testing. Allele origin: germline.

Blueprint Genetics
Classification: Benign. Last evaluated: 2024-11-27. Review status: criteria provided, single submitter. Criteria: ACMG Guidelines, 2015. Collection method: clinical testing. Allele origin: germline.

Genome-Nilou Lab
Classification: Benign for Asphyxiating thoracic dystrophy 3. Last evaluated: 2021-07-30. Review status: criteria provided, single submitter. Criteria: ACMG Guidelines, 2015. Collection method: clinical testing. Allele origin: germline. Affected: no.

Eurofins Ntd Llc (ga)
Classification: Benign. Last evaluated: 2016-07-20. Review status: criteria provided, single submitter. Criteria: EGL Classification Definitions 2015. Collection method: clinical testing. Allele origin: germline. Observed: 1 variant allele, 1 heterozygote.

GeneDx
Classification: Benign. Last evaluated: 2016-03-03. Review status: criteria provided, single submitter. Criteria: GeneDx Variant Classification (06012015). Collection method: clinical testing. Allele origin: germline. Affected: yes.
Comment: This variant is considered likely benign or benign based on one or more of the following criteria: it is a conservative change, it occurs at a poorly conserved position in the protein, it is predicted to be benign by multiple in silico algorithms, and/or has population frequency not consistent with disease.

Breakthrough Genomics
Classification: Benign. Review status: criteria provided, single submitter. Criteria: ACMG Guidelines, 2015. Collection method: not provided. Allele origin: germline. Inheritance: Autosomal recessive inheritance. Affected: yes.

Clinical Genetics DNA and cytogenetics Diagnostics Lab, Erasmus MC, Erasmus Medical Center
Classification: Benign. Review status: no assertion criteria provided. Collection method: clinical testing. Allele origin: germline. Affected: yes. Study: VKGL Data-share Consensus. Not counted in ClinVar's aggregate classification.

Joint Genome Diagnostic Labs from Nijmegen and Maastricht, Radboudumc and MUMC+
Classification: Benign. Review status: no assertion criteria provided. Collection method: clinical testing. Allele origin: germline. Affected: yes. Study: VKGL Data-share Consensus. Not counted in ClinVar's aggregate classification.

NM_001377.3(DYNC2H1):c.11256+18C>T

Gene: DYNC2H1 (dynein cytoplasmic 2 heavy chain 1; plus strand). Cytogenetic location: 11q22.3.
Variant type: single nucleotide variant.
Coding change: c.11256+18C>T on transcript NM_001377.3 (MANE Select); 18 bases into the intron after coding-DNA position 11256, C replaced by T.
Molecular consequence: intron variant.
Genome position (GRCh38, 1-based): chr11:103,303,271, C>T. VCF-style: chr11-103303271-C-T. GRCh37 (hg19) VCF-style: chr11-103174000-C-T.
Other names: c.11277+18C>T (NM_001080463.2).
Identifiers: ClinVar variation 289401 (VCV000289401.19), dbSNP rs11225674, ClinGen allele CA6255192.
Genomic context (GRCh38, chr11:103,303,271, plus strand): 5'-AGAACTAGCTAATGCTGAAAGAAGCGGAGAGTGTTATCACCAGGTAAGTACATATTGTCC[C>T]GCTGTTTTTGTTTTTGCTATTGCTGTTCCCACACTTGATGATATTGGTCAAATGGACATT-3'